The following is an entry in ClinVar:

NM_001165963.4(SCN1A):c.4002+1983T>C

Genes: SCN1A (sodium voltage-gated channel alpha subunit 1; minus strand), LOC102724058 (uncharacterized LOC102724058; plus strand). Cytogenetic location: 2q24.3.
Variant type: single nucleotide variant.
Coding change: c.4002+1983T>C on transcript NM_001165963.4 (MANE Select); 1983 bases into the intron after coding-DNA position 4002, T replaced by C.
Molecular consequence: intron variant.
Genome position (GRCh38, 1-based): chr2:166,007,736, A>G on the plus strand (T>C on the coding strand, the complement: SCN1A is on the minus strand). VCF-style: chr2-166007736-A-G. GRCh37 (hg19) VCF-style: chr2-166864246-A-G.
Other names: c.3969+1983T>C (NM_001353949.2, NM_001353950.2, NM_001353951.2 and 2 more transcripts); c.3918+1983T>C (NM_001353958.2, NM_001353957.2, NM_001165964.3); c.4002+1983T>C (NM_001202435.3, NM_001353948.2); c.3966+1983T>C (NM_001353955.2, NM_001353954.2); c.3915+1983T>C (NM_001353960.2); c.1560+1983T>C (NM_001353961.2).
Identifiers: ClinVar variation 2018065 (VCV002018065.4), dbSNP rs2468475474, ClinGen allele CA2580064291.

ClinVar aggregate classification (germline): Uncertain significance (1 of 4 stars; one submission).

Conditions:
Early-infantile DEE. Also called: Early infantile epileptic encephalopathy; Ohtahara syndrome; Early infantile epileptic encephalopathy with suppression bursts. Identifiers: Orphanet 1934, MedGen C0393706, MONDO:0800491.

Submission:

Labcorp Genetics (formerly Invitae), Labcorp
Classification: Uncertain significance for Early-infantile DEE. Last evaluated: 2024-10-15. Review status: criteria provided, single submitter. Criteria: Invitae Variant Classification Sherloc (09022015). Collection method: clinical testing. Allele origin: germline.
Comment: This sequence change falls in intron 20 of the SCN1A gene. It does not directly change the encoded amino acid sequence of the SCN1A protein. However, this sequence change falls within a region encompassing a cryptic exon in the SCN1A gene, in which variants have been shown to alter splicing (PMID: 30526861, 34107977). This variant is not present in population databases (gnomAD no frequency). This variant has not been reported in the literature in individuals affected with SCN1A-related conditions. ClinVar contains an entry for this variant (Variation ID: 2018065). Algorithms developed to predict the effect of sequence changes on RNA splicing suggest that this variant is not likely to affect RNA splicing. In summary, the available evidence is currently insufficient to determine the role of this variant in disease. Therefore, it has been classified as a Variant of Uncertain Significance.

Literature cited by the submitters: PubMed 30526861; PubMed 34107977.